The following is an entry in ClinVar:

ClinVar aggregate classification (germline): Uncertain significance (1 of 4 stars; one submission).

gnomAD v4.1: 3 of 1,614,088 alleles (0.00019%); highest among the groups gnomAD compares: Non-Finnish European, 0.00025%; no homozygotes.

Submission:

GeneDx
Classification: Uncertain significance. Last evaluated: 2026-02-10. Review status: criteria provided, single submitter. Criteria: GeneDx Variant Classification Process June 2021. Collection method: clinical testing. Allele origin: germline.
Comment: Not observed at significant frequency in large population cohorts (gnomAD); In silico analysis supports that this missense variant has a deleterious effect on protein structure/function; Has not been previously published as pathogenic or benign to our knowledge

NM_015047.3(EMC1):c.230A>T (p.His77Leu)

Gene: EMC1 (ER membrane protein complex subunit 1; minus strand). Cytogenetic location: 1p36.13.
Variant type: single nucleotide variant.
Coding change: c.230A>T on transcript NM_015047.3 (MANE Select); coding-DNA position 230, A replaced by T.
Protein change: p.His77Leu; replaces histidine 77 with leucine.
Molecular consequence: missense variant. On other transcripts: intron variant (1).
Genome position (GRCh38, 1-based): chr1:19,244,006, T>A on the plus strand (A>T on the coding strand, the complement: EMC1 is on the minus strand). VCF-style: chr1-19244006-T-A. GRCh37 (hg19) VCF-style: chr1-19570500-T-A.
Other names: c.230A>T, p.His77Leu (NM_001271427.2, NM_001271428.2, NM_001375820.1 and 1 more transcripts); c.221-299A>T (NM_001271429.2); short protein forms H77L.
Identifiers: ClinVar variation 5009669 (VCV005009669.1).